The following is an entry in ClinVar:

ClinVar aggregate classification (germline): Uncertain significance (1 of 4 stars; one submission).

Conditions:
Pityriasis rubra pilaris (PRP). Also called: Pityriasis rubra pilaris--familial type. Identifiers: Orphanet 2897, MedGen C0032027, MONDO:0100017, OMIM 173200, MONDO:0008251.
Psoriasis 2. Identifiers: MedGen C1864497, MONDO:0011269, OMIM 602723.

Submission:

Labcorp Genetics (formerly Invitae), Labcorp
Classification: Uncertain significance for Pityriasis rubra pilaris; Psoriasis 2. Last evaluated: 2024-09-25. Review status: criteria provided, single submitter. Criteria: Invitae Variant Classification Sherloc (09022015). Collection method: clinical testing. Allele origin: germline.
Comment: This sequence change affects a donor splice site in intron 2 of the CARD14 gene. It is expected to disrupt RNA splicing. Variants that disrupt the donor or acceptor splice site typically lead to a loss of protein function (PMID: 16199547), however the current clinical and genetic evidence is not sufficient to establish whether loss-of-function variants in CARD14 cause disease. This variant is not present in population databases (gnomAD no frequency). This variant has not been reported in the literature in individuals affected with CARD14-related conditions. ClinVar contains an entry for this variant (Variation ID: 1969649). Algorithms developed to predict the effect of sequence changes on RNA splicing suggest that this variant may disrupt the consensus splice site. In summary, the available evidence is currently insufficient to determine the role of this variant in disease. Therefore, it has been classified as a Variant of Uncertain Significance.

Literature cited by the submitters: PubMed 16199547.

NM_001366385.1(CARD14):c.211+1G>C

Gene: CARD14 (caspase recruitment domain family member 14; plus strand). Cytogenetic location: 17q25.3.
Variant type: single nucleotide variant.
Coding change: c.211+1G>C on transcript NM_001366385.1 (MANE Select); the canonical splice donor site of the intron after coding-DNA position 211, G replaced by C.
Molecular consequence: splice donor variant.
Genome position (GRCh38, 1-based): chr17:80,181,650, G>C. VCF-style: chr17-80181650-G-C. GRCh37 (hg19) VCF-style: chr17-78155449-G-C.
Other names: c.211+1G>C (NM_024110.4, NM_001257970.1).
Identifiers: ClinVar variation 1969649 (VCV001969649.5), dbSNP rs2510556925, ClinGen allele CA401332146.
Genomic context (GRCh38, chr17:80,181,650, plus strand): 5'-AGCTGGACGAGGAGGAGGTGCTGCACAGCCCCCGGCTCACCAACAGCGCCATGCGGGCCG[G>C]TGAGCGCAGCTCCCTCTTCCCCACCTCTTCCAGCTTCCCGTGGCCCACATGGCTCCACTG-3'